The following is an entry in ClinVar:

NM_144585.4(SLC22A12):c.1329C>T (p.Gly443=)

Gene: SLC22A12 (solute carrier family 22 member 12; plus strand). Cytogenetic location: 11q13.1.
Variant type: single nucleotide variant.
Coding change: c.1329C>T on transcript NM_144585.4 (MANE Select); coding-DNA position 1329, C replaced by T.
Protein change: p.Gly443=; no amino-acid change (glycine 443 retained).
Molecular consequence: synonymous variant.
Genome position (GRCh38, 1-based): chr11:64,600,410, C>T. VCF-style: chr11-64600410-C-T. GRCh37 (hg19) VCF-style: chr11-64367882-C-T.
Other names: c.1227C>T, p.Gly409= (NM_001276326.2); c.1005C>T, p.Gly335= (NM_001276327.2); c.666C>T, p.Gly222= (NM_153378.3).
Identifiers: ClinVar variation 305245 (VCV000305245.12), dbSNP rs61743169, ClinGen allele CA6077408.

ClinVar aggregate classification (germline): Conflicting classifications of pathogenicity. Review status: criteria provided, conflicting classifications (1 of 4 stars). 3 submissions from 3 submitters: Uncertain significance (1); Likely benign (1). 1 of the submissions does not count toward it. Last evaluated 2026-01-25.

Conditions:
SLC22A12-related disorder. Also called: SLC22A12-related condition.

Allele frequency attached by ClinVar (database versions not stated): 1000 Genomes Project 30x 0.00031; ESP Exome Variant Server 0.00031; 1000 Genomes Project 0.00040; gnomAD 0.00054 and 0.00055; TOPMed 0.00057.
gnomAD v4.1: 978 of 1,605,816 alleles (0.061%); highest among the groups gnomAD compares: Middle Eastern, 0.083%; 1 homozygote.

Submissions (3):

Labcorp Genetics (formerly Invitae), Labcorp
Classification: Likely benign. Last evaluated: 2026-01-25. Review status: criteria provided, single submitter. Criteria: Invitae Variant Classification Sherloc (09022015). Collection method: clinical testing. Allele origin: germline.

Breakthrough Genomics
Classification: Uncertain significance. Review status: criteria provided, single submitter. Criteria: ACMG Guidelines, 2015. Collection method: not provided. Allele origin: germline. Inheritance: Autosomal recessive inheritance. Affected: yes.

PreventionGenetics, part of Exact Sciences
Classification: Likely benign for SLC22A12-related condition. Last evaluated: 2019-03-29. Review status: no assertion criteria provided. Collection method: clinical testing. Allele origin: germline. Not counted in ClinVar's aggregate classification.
Comment: This variant is classified as likely benign based on ACMG/AMP sequence variant interpretation guidelines (Richards et al. 2015 PMID: 25741868, with internal and published modifications).